The following is an entry in ClinVar:

NM_177550.5(SLC13A5):c.1334C>T (p.Pro445Leu)

Gene: SLC13A5 (solute carrier family 13 member 5; minus strand). Cytogenetic location: 17p13.1.
Variant type: single nucleotide variant.
Coding change: c.1334C>T on transcript NM_177550.5 (MANE Select); coding-DNA position 1334, C replaced by T.
Protein change: p.Pro445Leu; replaces proline 445 with leucine.
Molecular consequence: missense variant.
Genome position (GRCh38, 1-based): chr17:6,690,882, G>A on the plus strand (C>T on the coding strand, the complement: SLC13A5 is on the minus strand). VCF-style: chr17-6690882-G-A. GRCh37 (hg19) VCF-style: chr17-6594201-G-A.
Other names: c.1334C>T, p.Pro445Leu (NM_001143838.3); c.1283C>T, p.Pro428Leu (NM_001284509.2); c.1205C>T, p.Pro402Leu (NM_001284510.2); short protein forms P445L, P402L, P428L.
Identifiers: ClinVar variation 541962 (VCV000541962.7), dbSNP rs558866003, ClinGen allele CA8331414.
Genomic context (GRCh38, chr17:6,690,882, plus strand): 5'-TTGCTTGTGCACTCAGTGAACACGGCAACGAGCAAGGACAAGATCAAGGTGATGGCTGCC[G>A]GGGGCACTGCGTGCAAGGGCTCCATCTGCTTCCCCATCCACACGGACAGCCCCGAGGCCT-3'
Protein context (NP_808218.1, residues 435-455): KQMEPLHAVP[Pro445Leu]AAITLILSLL

ClinVar aggregate classification (germline): Uncertain significance. Review status: criteria provided, multiple submitters, no conflicts (2 of 4 stars). 2 submissions from 2 submitters: Uncertain significance (2). Last evaluated 2025-03-08.

Conditions:
Developmental and epileptic encephalopathy, 25 (DEE25). Also called: Epileptic encephalopathy, early infantile, 25; Epileptic encephalopathy, early infantile, 25, with amelogenesis imperfecta; Developmental and epileptic encephalopathy 25, with amelogenesis imperfecta. Identifiers: Orphanet 442835, MedGen C4014621, MONDO:0014392, OMIM 615905.

Allele frequency attached by ClinVar (database versions not stated): TOPMed 0.00001; ExAC 0.00002; gnomAD exomes 0.00002 and 0.00004; gnomAD 0.00003 and 0.00004; 1000 Genomes Project 30x 0.00016; 1000 Genomes Project 0.00020.
gnomAD v4.1: 32 of 1,614,058 alleles (0.002%); highest among the groups gnomAD compares: South Asian, 0.0022%; no homozygotes.

Submissions (2):

GeneDx
Classification: Uncertain significance. Last evaluated: 2025-03-08. Review status: criteria provided, single submitter. Criteria: GeneDx Variant Classification Process June 2021. Collection method: clinical testing. Allele origin: germline. Affected: yes.
Comment: In silico analysis supports that this missense variant has a deleterious effect on protein structure/function; Has not been previously published as pathogenic or benign to our knowledge

Labcorp Genetics (formerly Invitae), Labcorp
Classification: Uncertain significance for Developmental and epileptic encephalopathy, 25. Last evaluated: 2022-08-19. Review status: criteria provided, single submitter. Criteria: Invitae Variant Classification Sherloc (09022015). Collection method: clinical testing. Allele origin: germline.
Comment: This sequence change replaces proline, which is neutral and non-polar, with leucine, which is neutral and non-polar, at codon 445 of the SLC13A5 protein (p.Pro445Leu). This variant is present in population databases (rs558866003, gnomAD 0.06%). This variant has not been reported in the literature in individuals affected with SLC13A5-related conditions. ClinVar contains an entry for this variant (Variation ID: 541962). Algorithms developed to predict the effect of missense changes on protein structure and function (SIFT, PolyPhen-2, Align-GVGD) all suggest that this variant is likely to be tolerated. In summary, the available evidence is currently insufficient to determine the role of this variant in disease. Therefore, it has been classified as a Variant of Uncertain Significance.